The following is an entry in ClinVar:

ClinVar aggregate classification (germline): Benign. Review status: criteria provided, single submitter (1 of 4 stars). 2 submissions from 2 submitters: Benign (1). 1 of the submissions does not count toward it. Last evaluated 2025-03-30.

Conditions:
SIPA1L3-related disorder. Also called: SIPA1L3-related condition.

Allele frequency attached by ClinVar (database versions not stated): TOPMed 0.00079; 1000 Genomes Project 0.00300; gnomAD 0.00070; ExAC 0.00186; 1000 Genomes Project 30x 0.00297.
gnomAD v4.1: 870 of 1,605,802 alleles (0.054%); highest among the groups gnomAD compares: East Asian, 1.4%; 7 homozygotes.

Submissions (2):

Labcorp Genetics (formerly Invitae), Labcorp
Classification: Benign. Last evaluated: 2025-03-30. Review status: criteria provided, single submitter. Criteria: Invitae Variant Classification Sherloc (09022015). Collection method: clinical testing. Allele origin: germline.

PreventionGenetics, part of Exact Sciences
Classification: Benign for SIPA1L3-related condition. Last evaluated: 2024-05-10. Review status: no assertion criteria provided. Collection method: clinical testing. Allele origin: germline. Not counted in ClinVar's aggregate classification.
Comment: This variant is classified as benign based on ACMG/AMP sequence variant interpretation guidelines (Richards et al. 2015 PMID: 25741868, with internal and published modifications).

NM_015073.3(SIPA1L3):c.572G>A (p.Arg191Gln)

Gene: SIPA1L3 (signal induced proliferation associated 1 like 3; plus strand). Cytogenetic location: 19q13.13.
Variant type: single nucleotide variant.
Coding change: c.572G>A on transcript NM_015073.3 (MANE Select); coding-DNA position 572, G replaced by A.
Protein change: p.Arg191Gln; replaces arginine 191 with glutamine.
Molecular consequence: missense variant.
Genome position (GRCh38, 1-based): chr19:38,082,137, G>A. VCF-style: chr19-38082137-G-A. GRCh37 (hg19) VCF-style: chr19-38572777-G-A.
Other names: c.572G>A (NM_015073.2); short protein forms R191Q.
Identifiers: ClinVar variation 2750757 (VCV002750757.5), dbSNP rs184751502, ClinGen allele CA9409148.